The following is an entry in ClinVar:

ClinVar aggregate classification (germline): Benign. Review status: criteria provided, multiple submitters, no conflicts (2 of 4 stars). 2 submissions from 2 submitters: Benign (2). Last evaluated 2018-06-16.

Allele frequency attached by ClinVar (database versions not stated): gnomAD exomes 0.05539; gnomAD 0.20767 and 0.19662; 1000 Genomes Project 0.21366; 1000 Genomes Project 30x 0.22564; TOPMed 0.21690.

Submissions (2):

GeneDx
Classification: Benign. Last evaluated: 2018-06-16. Review status: criteria provided, single submitter. Criteria: GeneDx Variant Classification (06012015). Collection method: clinical testing. Allele origin: germline. Affected: yes.
Comment: This variant is considered likely benign or benign based on one or more of the following criteria: it is a conservative change, it occurs at a poorly conserved position in the protein, it is predicted to be benign by multiple in silico algorithms, and/or has population frequency not consistent with disease.

Breakthrough Genomics
Classification: Benign. Review status: criteria provided, single submitter. Criteria: ACMG Guidelines, 2015. Collection method: not provided. Allele origin: germline. Inheritance: Autosomal recessive inheritance. Affected: yes.

NM_007215.3(POLG2):c.-183T>C

Genes: MILR1 (mast cell immunoglobulin like receptor 1; plus strand), POLG2 (DNA polymerase gamma 2, accessory subunit; minus strand). Cytogenetic location: 17q23.3.
Variant type: single nucleotide variant.
Coding change: c.-183T>C on transcript NM_007215.3; 183 bases upstream of the start codon, T replaced by C.
Genome position (GRCh38, 1-based): chr17:64,497,151, A>G on the plus strand (T>C on the coding strand, the complement: POLG2 is on the minus strand). VCF-style: chr17-64497151-A-G. GRCh37 (hg19) VCF-style: chr17-62493269-A-G.
Identifiers: ClinVar variation 671671 (VCV000671671.4), dbSNP rs41563537, ClinGen allele CA14483277.